The following is an entry in ClinVar:

ClinVar aggregate classification (germline): Uncertain significance (1 of 4 stars; one submission).

Submission:

CeGaT Center for Human Genetics Tuebingen
Classification: Uncertain significance. Last evaluated: 2024-04-01. Review status: criteria provided, single submitter. Criteria: CeGaT Center For Human Genetics Tuebingen Variant Classification Criteria Version 2. Collection method: clinical testing. Allele origin: germline. Affected: yes. Observed: 1 variant allele.
Comment: KDM5B: PM2

NM_006618.5(KDM5B):c.1847A>T (p.Glu616Val)

Gene: KDM5B (lysine demethylase 5B; minus strand). Cytogenetic location: 1q32.1.
Variant type: single nucleotide variant.
Coding change: c.1847A>T on transcript NM_006618.5 (MANE Select); coding-DNA position 1847, A replaced by T.
Protein change: p.Glu616Val; replaces glutamic acid 616 with valine.
Molecular consequence: missense variant.
Genome position (GRCh38, 1-based): chr1:202,749,114, T>A on the plus strand (A>T on the coding strand, the complement: KDM5B is on the minus strand). VCF-style: chr1-202749114-T-A. GRCh37 (hg19) VCF-style: chr1-202718242-T-A.
Other names: c.1955A>T, p.Glu652Val (NM_001314042.2); c.1712A>T, p.Glu571Val (NM_001347591.2); c.1832A>T, p.Glu611Val (NM_001399817.1); short protein forms E571V, E611V, E616V, E652V.
Identifiers: ClinVar variation 3234676 (VCV003234676.20), dbSNP rs2527502237, ClinGen allele CA344267194.